The following is an entry in ClinVar:

ClinVar aggregate classification (germline): Benign. Review status: criteria provided, multiple submitters, no conflicts (2 of 4 stars). 2 submissions from 2 submitters: Benign (2). Last evaluated 2017-04-27.

Conditions:
Deficiency of butyrylcholinesterase (BCHED). Also called: Deficiency of butyrylcholine esterase; Acholinesterasemia; Butyrylcholinesterase deficiency; BCHE, silent 1. Identifiers: Orphanet 132, MedGen C1283400, MONDO:0015270, OMIM 617936.

Allele frequency attached by ClinVar (database versions not stated): 1000 Genomes Project 30x 0.03451; 1000 Genomes Project 0.03494; TOPMed 0.05256; gnomAD exomes 0.05553 and 0.07208; gnomAD 0.05565 and 0.05602; ExAC 0.05665.
gnomAD v4.1: 90,122 of 1,289,372 alleles (7%); highest among the groups gnomAD compares: Non-Finnish European, 7.8%; 3,525 homozygotes.

Submissions (2):

Illumina Laboratory Services, Illumina
Classification: Benign for Deficiency of butyrylcholinesterase. Last evaluated: 2017-04-27. Review status: criteria provided, single submitter. Criteria: ICSL Variant Classification Criteria 13 December 2019. Collection method: clinical testing. Allele origin: germline.
Comment: This variant was observed as part of a predisposition screen in an ostensibly healthy population. A literature search was performed for the gene, cDNA change, and amino acid change (where applicable). Publications were found based on this search. The evidence from the literature, in combination with allele frequency data from public databases where available, was sufficient to rule this variant out of causing disease. Therefore, this variant is classified as benign.

Breakthrough Genomics
Classification: Benign. Review status: criteria provided, single submitter. Criteria: ACMG Guidelines, 2015. Collection method: not provided. Allele origin: germline. Inheritance: Autosomal recessive inheritance. Affected: yes.

Literature cited by the submitters: PubMed 27109752 (cited by Illumina Laboratory Services, Illumina).

NM_000055.4(BCHE):c.-32G>A

Genes: BCHE (butyrylcholinesterase; minus strand), LOC121048721 (Sharpr-MPRA regulatory region 7963; plus strand). Cytogenetic location: 3q26.1.
Variant type: single nucleotide variant.
Coding change: c.-32G>A on transcript NM_000055.4 (MANE Select); 32 bases upstream of the start codon, G replaced by A.
Molecular consequence: 5 prime UTR variant. On other transcripts: non-coding transcript variant (2).
Genome position (GRCh38, 1-based): chr3:165,837,337, C>T on the plus strand (G>A on the coding strand, the complement: BCHE is on the minus strand). VCF-style: chr3-165837337-C-T. GRCh37 (hg19) VCF-style: chr3-165555125-C-T.
Identifiers: ClinVar variation 903492 (VCV000903492.5), dbSNP rs1126680, ClinGen allele CA2692592.